The following is an entry in ClinVar:

ClinVar aggregate classification (germline): Uncertain significance (1 of 4 stars; one submission).

Conditions:
Alport syndrome. Also called: Hemorrhagic familial nephritis; Hemorrhagic hereditary nephritis; Congenital hereditary hematuria. Identifiers: Orphanet 63, MedGen C1567741, MONDO:0018965.

Submission:

Myriad Genetics, Inc.
Classification: Uncertain significance for Alport syndrome. Last evaluated: 2025-07-21. Review status: criteria provided, single submitter. Criteria: Myriad Autosomal Dominant, Autosomal Recessive and X-Linked Classification Criteria (2023). Collection method: clinical testing. Allele origin: unknown.
Comment: NM_000091.4(COL4A3):c.3283G>C(G1095R) is a missense variant classified as a variant of uncertain significance in the context of Alport syndrome, COL4A3-related. G1095R has not been observed in cases with relevant disease. Relevant functional assessments of this variant are not available in the literature. G1095R has not been observed in referenced population frequency databases. In summary, there is insufficient evidence to classify NM_000091.4(COL4A3):c.3283G>C(G1095R) as pathogenic or benign. Please note: this variant was assessed in the context of healthy population screening.

NM_000091.5(COL4A3):c.3283G>C (p.Gly1095Arg)

Genes: COL4A3 (collagen type IV alpha 3 chain; plus strand), MFF-DT (MFF divergent transcript; minus strand). Cytogenetic location: 2q36.3.
Variant type: single nucleotide variant.
Coding change: c.3283G>C on transcript NM_000091.5 (MANE Select); coding-DNA position 3283, G replaced by C.
Protein change: p.Gly1095Arg; replaces glycine 1095 with arginine.
Molecular consequence: missense variant.
Genome position (GRCh38, 1-based): chr2:227,293,263, G>C. VCF-style: chr2-227293263-G-C. GRCh37 (hg19) VCF-style: chr2-228157979-G-C.
Other names: short protein forms G1095R.
Identifiers: ClinVar variation 5003937 (VCV005003937.1).